The following is an entry in ClinVar:

NM_001127671.2(LIFR):c.2766T>C (p.Asp922=)

Gene: LIFR (LIF receptor subunit alpha; minus strand). Cytogenetic location: 5p13.1.
Variant type: single nucleotide variant.
Coding change: c.2766T>C on transcript NM_001127671.2 (MANE Select); coding-DNA position 2766, T replaced by C.
Protein change: p.Asp922=; no amino-acid change (aspartic acid 922 retained).
Molecular consequence: synonymous variant.
Genome position (GRCh38, 1-based): chr5:38,482,123, A>G on the plus strand (T>C on the coding strand, the complement: LIFR is on the minus strand). VCF-style: chr5-38482123-A-G. GRCh37 (hg19) VCF-style: chr5-38482225-A-G.
Other names: c.2766T>C, p.Asp922= (NM_001364297.2, NM_002310.6); c.2733T>C, p.Asp911= (NM_001364298.2).
Identifiers: ClinVar variation 353610 (VCV000353610.26), dbSNP rs61027880, ClinGen allele CA3242569.

ClinVar aggregate classification (germline): Benign/Likely benign. Review status: criteria provided, multiple submitters, no conflicts (2 of 4 stars). 6 submissions from 6 submitters: Benign (3); Likely benign (2). 1 of the submissions does not count toward it. Last evaluated 2026-01-28.

Conditions:
Stuve-Wiedemann syndrome (STWS). Also called: Stüve-Wiedemann syndrome. Identifiers: Orphanet 3206, MedGen C0796176, MONDO:0031280.
Stüve-Wiedemann syndrome 1. Also called: STUVE-WIEDEMANN/SCHWARTZ-JAMPEL TYPE 2 SYNDROME. Identifiers: Orphanet 3206, MedGen C5676888, MONDO:0800043, OMIM 601559.

Allele frequency attached by ClinVar (database versions not stated): gnomAD exomes 0.00048 and 0.00133; ExAC 0.00162; gnomAD 0.00460 and 0.00501; 1000 Genomes Project 0.00519; ESP Exome Variant Server 0.00546; TOPMed 0.00547; 1000 Genomes Project 30x 0.00609.
gnomAD v4.1: 1,430 of 1,585,212 alleles (0.09%); highest among the groups gnomAD compares: African/African-American, 1.6%; 17 homozygotes.

Submissions (6):

Labcorp Genetics (formerly Invitae), Labcorp
Classification: Benign. Last evaluated: 2026-01-28. Review status: criteria provided, single submitter. Criteria: Invitae Variant Classification Sherloc (09022015). Collection method: clinical testing. Allele origin: germline.

ARUP Laboratories, Molecular Genetics and Genomics, ARUP Laboratories
Classification: Benign for Stüve-Wiedemann syndrome 1. Last evaluated: 2025-02-11. Review status: criteria provided, single submitter. Criteria: ARUP Molecular Germline Variant Investigation Process 2024. Collection method: clinical testing. Allele origin: germline.

GeneDx
Classification: Likely benign. Last evaluated: 2021-05-28. Review status: criteria provided, single submitter. Criteria: GeneDx Variant Classification Process June 2021. Collection method: clinical testing. Allele origin: germline. Affected: yes.

Illumina Laboratory Services, Illumina
Classification: Benign for Stüve-Wiedemann syndrome 1. Last evaluated: 2018-01-13. Review status: criteria provided, single submitter. Criteria: ICSL Variant Classification Criteria 13 December 2019. Collection method: clinical testing. Allele origin: germline.
Comment: This variant was observed in the ICSL laboratory as part of a predisposition screen in an ostensibly healthy population. It had not been previously curated by ICSL or reported in the Human Gene Mutation Database (HGMD: prior to June 1st, 2018), and was therefore a candidate for classification through an automated scoring system. Utilizing variant allele frequency, disease prevalence and penetrance estimates, and inheritance mode, an automated score was calculated to assess if this variant is too frequent to cause the disease. Based on the score and internal cut-off values, a variant classified as benign is not then subjected to further curation. The score for this variant resulted in a classification of benign for this disease.

Breakthrough Genomics
Classification: Likely benign. Review status: criteria provided, single submitter. Criteria: ACMG Guidelines, 2015. Collection method: not provided. Allele origin: germline. Inheritance: Autosomal recessive inheritance. Affected: yes.

Natera, Inc.
Classification: Benign for Stuve-Wiedemann syndrome. Last evaluated: 2019-10-28. Review status: no assertion criteria provided. Collection method: clinical testing. Allele origin: germline. Not counted in ClinVar's aggregate classification.